The following is an entry in ClinVar:

NM_207421.4(PADI6):c.705G>T (p.Leu235Phe)

Gene: PADI6 (peptidyl arginine deiminase 6; plus strand). Cytogenetic location: 1p36.13.
Variant type: single nucleotide variant.
Coding change: c.705G>T on transcript NM_207421.4 (MANE Select); coding-DNA position 705, G replaced by T.
Protein change: p.Leu235Phe; replaces leucine 235 with phenylalanine.
Molecular consequence: missense variant.
Genome position (GRCh38, 1-based): chr1:17,388,406, G>T. VCF-style: chr1-17388406-G-T. GRCh37 (hg19) VCF-style: chr1-17714901-G-T.
Other names: short protein forms L235F.
Identifiers: ClinVar variation 2214356 (VCV002214356.3), dbSNP rs151308208, ClinGen allele CA641482.

ClinVar aggregate classification (germline): Uncertain significance. Review status: criteria provided, multiple submitters, no conflicts (2 of 4 stars). 2 submissions from 2 submitters: Uncertain significance (2). Last evaluated 2023-12-23.

Conditions:
Inborn genetic diseases. Identifiers: MedGen C0950123, MeSH D030342.

Allele frequency attached by ClinVar (database versions not stated): ESP Exome Variant Server 0.00184; 1000 Genomes Project 30x 0.00203; 1000 Genomes Project 0.00220.
gnomAD v4.1: 654 of 1,613,184 alleles (0.041%); highest among the groups gnomAD compares: African/African-American, 0.79%; 2 homozygotes.

Submissions (2):

GeneDx
Classification: Uncertain significance. Last evaluated: 2023-12-23. Review status: criteria provided, single submitter. Criteria: GeneDx Variant Classification Process June 2021. Collection method: clinical testing. Allele origin: germline. Affected: yes.
Comment: In silico analysis supports that this missense variant has a deleterious effect on protein structure/function; Has not been previously published as pathogenic or benign to our knowledge

Ambry Genetics
Classification: Uncertain significance for Inborn genetic diseases. Last evaluated: 2021-10-18. Review status: criteria provided, single submitter. Criteria: Ambry Variant Classification Scheme 2023. Collection method: clinical testing. Allele origin: germline.